The following is an entry in ClinVar:

NM_001277115.2(DNAH11):c.10898T>A (p.Leu3633Ter)

Gene: DNAH11 (dynein axonemal heavy chain 11; plus strand). Cytogenetic location: 7p15.3.
Variant type: single nucleotide variant.
Coding change: c.10898T>A on transcript NM_001277115.2 (MANE Select); coding-DNA position 10898, T replaced by A.
Protein change: p.Leu3633Ter; replaces leucine 3633 with a stop codon.
Molecular consequence: nonsense.
Genome position (GRCh38, 1-based): chr7:21,852,468, T>A. VCF-style: chr7-21852468-T-A. GRCh37 (hg19) VCF-style: chr7-21892086-T-A.
Other names: short protein forms L3633*.
Identifiers: ClinVar variation 3716600 (VCV003716600.2).
Genomic context (GRCh38, chr7:21,852,468, plus strand): 5'-AAAAAAAAAAAAAAAAGTACTTAACCACCATTTCCCACACTTTTCTTGGTTTTTATTAGT[T>A]GGTATTGACAAAGCACCAAAATGATTTTAAAATTGAGCTCAAGTATCTGGAAGACGATCT-3'

ClinVar aggregate classification (germline): Pathogenic (1 of 4 stars; one submission).

Conditions:
Primary ciliary dyskinesia. Also called: Ciliary dyskinesia. Identifiers: Orphanet 244, MedGen C0008780, MONDO:0016575, HP:0012265.

Submission:

Labcorp Genetics (formerly Invitae), Labcorp
Classification: Pathogenic for Primary ciliary dyskinesia. Last evaluated: 2024-02-17. Review status: criteria provided, single submitter. Criteria: Invitae Variant Classification Sherloc (09022015). Collection method: clinical testing. Allele origin: germline.
Comment: This sequence change creates a premature translational stop signal (p.Leu3633*) in the DNAH11 gene. It is expected to result in an absent or disrupted protein product. Loss-of-function variants in DNAH11 are known to be pathogenic (PMID: 18022865, 20513915, 22184204). This variant is present in population databases (no rsID available, gnomAD 0.006%). This variant has not been reported in the literature in individuals affected with DNAH11-related conditions. Algorithms developed to predict the effect of sequence changes on RNA splicing suggest that this variant may create or strengthen a splice site. For these reasons, this variant has been classified as Pathogenic.

Literature cited by the submitters: PubMed 18022865; PubMed 20513915; PubMed 22184204.